The following is an entry in ClinVar:

NM_001321120.2(TBX4):c.487C>T (p.Arg163Trp)

Gene: TBX4 (T-box transcription factor 4; plus strand). Cytogenetic location: 17q23.2.
Variant type: single nucleotide variant.
Coding change: c.487C>T on transcript NM_001321120.2 (MANE Select); coding-DNA position 487, C replaced by T.
Protein change: p.Arg163Trp; replaces arginine 163 with tryptophan.
Molecular consequence: missense variant.
Genome position (GRCh38, 1-based): chr17:61,467,595, C>T. VCF-style: chr17-61467595-C-T. GRCh37 (hg19) VCF-style: chr17-59544956-C-T.
Other names: c.487C>T, p.Arg163Trp (NM_018488.3); short protein forms R163W.
Identifiers: ClinVar variation 2994887 (VCV002994887.3), dbSNP rs141536152, ClinGen allele CA8689832.

ClinVar aggregate classification (germline): Uncertain significance (1 of 4 stars; one submission).

Allele frequency attached by ClinVar (database versions not stated): gnomAD exomes below 0.00001.

Submission:

Labcorp Genetics (formerly Invitae), Labcorp
Classification: Uncertain significance. Last evaluated: 2023-04-06. Review status: criteria provided, single submitter. Criteria: Invitae Variant Classification Sherloc (09022015). Collection method: clinical testing. Allele origin: germline.
Comment: Advanced modeling of protein sequence and biophysical properties (such as structural, functional, and spatial information, amino acid conservation, physicochemical variation, residue mobility, and thermodynamic stability) performed at Invitae indicates that this missense variant is not expected to disrupt TBX4 protein function. This sequence change replaces arginine, which is basic and polar, with tryptophan, which is neutral and slightly polar, at codon 163 of the TBX4 protein (p.Arg163Trp). This variant is present in population databases (rs141536152, gnomAD 0.003%). This variant has not been reported in the literature in individuals affected with TBX4-related conditions. In summary, the available evidence is currently insufficient to determine the role of this variant in disease. Therefore, it has been classified as a Variant of Uncertain Significance.